The following is an entry in ClinVar:

NM_003835.4(RGS9):c.458A>G (p.Tyr153Cys)

Gene: RGS9 (regulator of G protein signaling 9; plus strand). Cytogenetic location: 17q24.1.
Variant type: single nucleotide variant.
Coding change: c.458A>G on transcript NM_003835.4 (MANE Select); coding-DNA position 458, A replaced by G.
Protein change: p.Tyr153Cys; replaces tyrosine 153 with cysteine.
Molecular consequence: missense variant.
Genome position (GRCh38, 1-based): chr17:65,163,047, A>G. VCF-style: chr17-65163047-A-G. GRCh37 (hg19) VCF-style: chr17-63159165-A-G.
Other names: c.458A>G, p.Tyr153Cys (NM_001081955.3, NM_001165933.2); c.458A>G (NM_003835.3); short protein forms Y153C.
Identifiers: ClinVar variation 635083 (VCV000635083.8), dbSNP rs755034844, ClinGen allele CA8717677.
Genomic context (GRCh38, chr17:65,163,047, plus strand): 5'-GTTCTCATTTTGTTTTTCTTCTTTAGGAAAATTACAATTTCTTGAACCAAAAAATGAACT[A>G]TAAGTGGGACTTTGTCATTATGCAGGCCAAAGAGCAGTACAGGTGAGTGAAAGGAGACCA-3'
Protein context (NP_003826.2, residues 143-163): NYNFLNQKMN[Tyr153Cys]KWDFVIMQAK

ClinVar aggregate classification (germline): Uncertain significance. Review status: criteria provided, multiple submitters, no conflicts (2 of 4 stars). 4 submissions from 4 submitters: Uncertain significance (4). Last evaluated 2023-08-15.

Conditions:
Bradyopsia. Identifiers: Orphanet 75374, MedGen C1842073, MONDO:0012033, HP:0030511.
Inborn genetic diseases. Identifiers: MedGen C0950123, MeSH D030342.

Allele frequency attached by ClinVar (database versions not stated): gnomAD 0.00001; TOPMed 0.00001; ExAC 0.00002.
gnomAD v4.1: 12 of 1,603,390 alleles (0.00075%); highest among the groups gnomAD compares: Middle Eastern, 0.082%; no homozygotes.

Submissions (4):

Ambry Genetics
Classification: Uncertain significance for Inborn genetic diseases. Last evaluated: 2023-08-15. Review status: criteria provided, single submitter. Criteria: Ambry Variant Classification Scheme 2023. Collection method: clinical testing. Allele origin: germline.

Labcorp Genetics (formerly Invitae), Labcorp
Classification: Uncertain significance. Last evaluated: 2022-08-23. Review status: criteria provided, single submitter. Criteria: Invitae Variant Classification Sherloc (09022015). Collection method: clinical testing. Allele origin: germline.
Comment: This sequence change replaces tyrosine, which is neutral and polar, with cysteine, which is neutral and slightly polar, at codon 153 of the RGS9 protein (p.Tyr153Cys). This variant is present in population databases (rs755034844, gnomAD 0.003%). This variant has not been reported in the literature in individuals affected with RGS9-related conditions. ClinVar contains an entry for this variant (Variation ID: 635083). Algorithms developed to predict the effect of missense changes on protein structure and function are either unavailable or do not agree on the potential impact of this missense change (SIFT: "Deleterious"; PolyPhen-2: "Possibly Damaging"; Align-GVGD: "Class C0"). Algorithms developed to predict the effect of sequence changes on RNA splicing suggest that this variant may create or strengthen a splice site. In summary, the available evidence is currently insufficient to determine the role of this variant in disease. Therefore, it has been classified as a Variant of Uncertain Significance.

Broad Center for Mendelian Genomics, Broad Institute of MIT and Harvard
Classification: Uncertain significance for Prolonged electroretinal response suppression 1. Last evaluated: 2018-06-15. Review status: criteria provided, single submitter. Criteria: ACMG Guidelines, 2015. Collection method: research. Allele origin: germline. Inheritance: Autosomal recessive inheritance. Affected: yes.
Comment: This variant has been identified in 0.02% (1/6434) chromosomes of unspecified ethnicity by the Genome Aggregation Database (gnomAD; dbSNP rs755034844). Although this variant has been seen in the general population, its frequency is low enough to be consistent with a recessive carrier frequency. The Tyrosine (Tyr) at position 153 is not conserved in mammals and evolutionarily distant species, raising the possibility that a change at this position may be tolerated. Computational prediction tools do not provide strong support for or against an impact to the protein. In summary, the clinical significance of this variant is uncertain.

Breakthrough Genomics
Classification: Uncertain significance. Review status: criteria provided, single submitter. Criteria: ACMG Guidelines, 2015. Collection method: not provided. Allele origin: germline. Inheritance: Unknown mechanism. Affected: yes.